The following is an entry in ClinVar:

ClinVar aggregate classification (germline): Uncertain significance. Review status: criteria provided, multiple submitters, no conflicts (2 of 4 stars). 2 submissions from 2 submitters: Uncertain significance (2). Last evaluated 2024-03-02.

Conditions:
Joubert syndrome 24 (JBTS24). Identifiers: Orphanet 475, MedGen C4084841, MONDO:0014724, OMIM 616654.
Meckel syndrome, type 8. Identifiers: Orphanet 564, MedGen C3836857, MONDO:0013482, OMIM 613885.
Joubert syndrome. Also called: CEREBELLOPARENCHYMAL DISORDER IV; JOUBERT-BOLTSHAUSER SYNDROME; Familial aplasia of the vermis. Identifiers: Orphanet 475, MedGen C5979921, MONDO:0018772.
Meckel-Gruber syndrome. Also called: DYSENCEPHALIA SPLANCHNOCYSTICA; GRUBER SYNDROME; Dysencephalia splachnocystica. Identifiers: Orphanet 564, MedGen C0265215, MONDO:0018921.

Submissions (2):

Fulgent Genetics
Classification: Uncertain significance for Meckel syndrome, type 8; Joubert syndrome 24. Last evaluated: 2024-03-02. Review status: criteria provided, single submitter. Criteria: ACMG Guidelines, 2015. Collection method: clinical testing. Allele origin: germline.

Labcorp Genetics (formerly Invitae), Labcorp
Classification: Uncertain significance for Joubert syndrome; Meckel-Gruber syndrome. Last evaluated: 2023-07-14. Review status: criteria provided, single submitter. Criteria: Invitae Variant Classification Sherloc (09022015). Collection method: clinical testing. Allele origin: germline.
Comment: This variant, c.1958_1963del, results in the deletion of 2 amino acid(s) of the TCTN2 protein (p.Leu653_Tyr654del), but otherwise preserves the integrity of the reading frame. This variant is present in population databases (rs377628976, gnomAD 0.01%). This variant has not been reported in the literature in individuals affected with TCTN2-related conditions. ClinVar contains an entry for this variant (Variation ID: 1415552). Experimental studies and prediction algorithms are not available or were not evaluated, and the functional significance of this variant is currently unknown. In summary, the available evidence is currently insufficient to determine the role of this variant in disease. Therefore, it has been classified as a Variant of Uncertain Significance.

NM_024809.5(TCTN2):c.1958_1963del (p.Leu653_Tyr654del)

Gene: TCTN2 (tectonic family member 2; plus strand). Cytogenetic location: 12q24.31.
Variant type: Deletion.
Coding change: c.1958_1963del on transcript NM_024809.5 (MANE Select); coding-DNA positions 1958 to 1963, 6 bases deleted (TATATC; older notation c.1958_1963delTATATC).
Protein change: p.Leu653_Tyr654del.
Molecular consequence: inframe deletion.
Genome position (GRCh38, 1-based): chr12:123,707,047-123,707,052, TATATC deleted; deleting any 6 consecutive bases within chr12:123,707,045-123,707,052 gives the same sequence; the c. name uses the placement nearest the transcript's 3' end. VCF-style (leftmost placement, unchanged base first): chr12-123707044-TTCTATA-T. GRCh37 (hg19) VCF-style: chr12-124191591-TTCTATA-T.
Other names: c.1955_1960del, p.Leu652_Tyr653del (NM_001143850.3).
Identifiers: ClinVar variation 1415552 (VCV001415552.5), dbSNP rs377628976, ClinGen allele CA245171376.
Genomic context (GRCh38, chr12:123,707,044, plus strand): 5'-GATTCCAGATCAATTATACAGAGTATGACTGCAACAGAAATGAGGTGTGTTGGCCGCAGC[TTCTATA>T]TCCATGGACTCAGTATTATCAAGGTAGGGTGAAACAGATTTCTATGACCAATTATGTTAT-3'